The following is an entry in ClinVar:

ClinVar aggregate classification (germline): Uncertain significance (1 of 4 stars; one submission).

Allele frequency attached by ClinVar (database versions not stated): gnomAD exomes below 0.00001 and 0.00001; ExAC 0.00001; gnomAD 0.00001.
gnomAD v4.1: 16 of 1,613,784 alleles (0.00099%); highest among the groups gnomAD compares: African/African-American, 0.0027%; no homozygotes.

Submission:

Labcorp Genetics (formerly Invitae), Labcorp
Classification: Uncertain significance. Last evaluated: 2021-07-22. Review status: criteria provided, single submitter. Criteria: Invitae Variant Classification Sherloc (09022015). Collection method: clinical testing. Allele origin: germline.
Comment: This variant is present in population databases (rs781879948, ExAC 0.002%). This sequence change replaces arginine with glutamine at codon 256 of the GNB3 protein (p.Arg256Gln). The arginine residue is highly conserved and there is a small physicochemical difference between arginine and glutamine. This variant has not been reported in the literature in individuals affected with GNB3-related conditions. In summary, the available evidence is currently insufficient to determine the role of this variant in disease. Therefore, it has been classified as a Variant of Uncertain Significance. Algorithms developed to predict the effect of sequence changes on RNA splicing suggest that this variant may create or strengthen a splice site. Algorithms developed to predict the effect of missense changes on protein structure and function are either unavailable or do not agree on the potential impact of this missense change (SIFT: "Deleterious"; PolyPhen-2: "Probably Damaging"; Align-GVGD: "Class C0").

NM_002075.4(GNB3):c.767G>A (p.Arg256Gln)

Genes: CDCA3 (cell division cycle associated 3; minus strand), GNB3 (G protein subunit beta 3; plus strand). Cytogenetic location: 12p13.31.
Variant type: single nucleotide variant.
Coding change: c.767G>A on transcript NM_002075.4 (MANE Select); coding-DNA position 767, G replaced by A.
Protein change: p.Arg256Gln; replaces arginine 256 with glutamine.
Molecular consequence: missense variant. On other transcripts: 3 prime UTR variant (1).
Genome position (GRCh38, 1-based): chr12:6,845,653, G>A. VCF-style: chr12-6845653-G-A. GRCh37 (hg19) VCF-style: chr12-6954817-G-A.
Other names: c.764G>A, p.Arg255Gln (NM_001297571.2); c.*1135C>T (NM_001297603.3); short protein forms R256Q, R255Q.
Identifiers: ClinVar variation 1367497 (VCV001367497.9), dbSNP rs781879948, ClinGen allele CA6417666.
Genomic context (GRCh38, chr12:6,845,653, plus strand): 5'-CCAATGGAGAGGCCATCTGCACGGGCTCGGATGACGCTTCCTGCCGCTTGTTTGACCTGC[G>A]GGCAGACCAGGAGCTGATCTGCTTCTCCCACGAGAGCATCATCTGCGGCATCACGTCCGT-3'
Protein context (NP_002066.1, residues 246-266): DDASCRLFDL[Arg256Gln]ADQELICFSH